The following is an entry in ClinVar:

ClinVar aggregate classification (germline): Pathogenic (1 of 4 stars; one submission).

Conditions:
Cohen syndrome (COH1). Also called: PEPPER SYNDROME; Cutis verticis gyrata, retinitis pigmentosa, and sensorineural deafness. Identifiers: Orphanet 193, MedGen C0265223, MONDO:0008999, OMIM 216550.

Submission:

Myriad Genetics, Inc.
Classification: Pathogenic for Cohen syndrome. Last evaluated: 2025-12-11. Review status: criteria provided, single submitter. Criteria: Myriad Autosomal Dominant, Autosomal Recessive and X-Linked Classification Criteria (2023). Collection method: clinical testing. Allele origin: unknown.
Comment: NM_017890.4(VPS13B):c.2006delG(G669Efs*9) is a frameshift variant classified as pathogenic in the context of Cohen syndrome. G669Efs*9 has not been observed in cases with relevant disease. Relevant functional assessments of this variant are not available in the literature. G669Efs*9 has not been observed in referenced population frequency databases. In summary, NM_017890.4(VPS13B):c.2006delG(G669Efs*9) is a frameshift variant in a gene where loss of function is a known mechanism of disease and is predicted to disrupt protein function. Please note: this variant was assessed in the context of healthy population screening.

NM_152564.5(VPS13B):c.2006del (p.Gly669fs)

Gene: VPS13B (vacuolar protein sorting 13 homolog B; plus strand). Cytogenetic location: 8q22.2.
Variant type: Deletion.
Coding change: c.2006del on transcript NM_152564.5 (MANE Select); coding-DNA position 2006, one base deleted (G; older notation c.2006delG).
Protein change: p.Gly669fs; shifts the reading frame from glycine 669.
Molecular consequence: frameshift variant.
Genome position (GRCh38, 1-based): chr8:99,148,003, G deleted; the last of 3 consecutive G bases (chr8:99,148,001-99,148,003); deleting any one gives the same sequence. VCF-style (leftmost placement, unchanged base first): chr8-99148000-TG-T. GRCh37 (hg19) VCF-style: chr8-100160228-TG-T.
Other names: c.2006del, p.Gly669fs (NM_015243.3, NM_017890.5); short protein forms G669fs.
Identifiers: ClinVar variation 5004326 (VCV005004326.1).
Genomic context (GRCh38, chr8:99,148,000, plus strand): 5'-GTACCTGCACAATTTCCATGGCTGAATTCAACTTGCTGGACCATTTACTACCTGTCATTA[TG>T]GGAGAAAAGGTATATTTTGTGATTTGCTATATTTTTTTTCCCTCATATATGGATTTTTTT-3'